The following is an entry in ClinVar:

ClinVar aggregate classification (germline): Uncertain significance (1 of 4 stars; one submission).

Conditions:
Early Myoclonic Encephalopathy. Identifiers: MedGen C0270855.

Allele frequency attached by ClinVar (database versions not stated): ExAC 0.00003; TOPMed 0.00005; gnomAD 0.00003; ESP Exome Variant Server 0.00016; gnomAD exomes 0.00001.
gnomAD v4.1: 8 of 1,595,568 alleles (0.0005%); highest among the groups gnomAD compares: African/African-American, 0.0054%; no homozygotes.

Submission:

Labcorp Genetics (formerly Invitae), Labcorp
Classification: Uncertain significance for Early Myoclonic Encephalopathy. Last evaluated: 2023-05-12. Review status: criteria provided, single submitter. Criteria: Invitae Variant Classification Sherloc (09022015). Collection method: clinical testing. Allele origin: germline.
Comment: Advanced modeling of protein sequence and biophysical properties (such as structural, functional, and spatial information, amino acid conservation, physicochemical variation, residue mobility, and thermodynamic stability) performed at Invitae indicates that this missense variant is not expected to disrupt JMJD1C protein function. In summary, the available evidence is currently insufficient to determine the role of this variant in disease. Therefore, it has been classified as a Variant of Uncertain Significance. ClinVar contains an entry for this variant (Variation ID: 1045674). This variant has not been reported in the literature in individuals affected with JMJD1C-related conditions. This variant is present in population databases (rs376317959, gnomAD 0.007%). This sequence change replaces arginine, which is basic and polar, with glutamine, which is neutral and polar, at codon 1843 of the JMJD1C protein (p.Arg1843Gln).

NM_032776.3(JMJD1C):c.5528G>A (p.Arg1843Gln)

Gene: JMJD1C (jumonji domain containing 1C; minus strand). Cytogenetic location: 10q21.3.
Variant type: single nucleotide variant.
Coding change: c.5528G>A on transcript NM_032776.3 (MANE Select); coding-DNA position 5528, G replaced by A.
Protein change: p.Arg1843Gln; replaces arginine 1843 with glutamine.
Molecular consequence: missense variant. On other transcripts: non-coding transcript variant (1).
Genome position (GRCh38, 1-based): chr10:63,197,527, C>T on the plus strand (G>A on the coding strand, the complement: JMJD1C is on the minus strand). VCF-style: chr10-63197527-C-T. GRCh37 (hg19) VCF-style: chr10-64957287-C-T.
Other names: c.4982G>A, p.Arg1661Gln (NM_001282948.2, NM_001318154.2); c.4664G>A, p.Arg1555Gln (NM_001318153.2); c.5414G>A, p.Arg1805Gln (NM_001322252.2); c.4871G>A, p.Arg1624Gln (NM_001322254.2, NM_001322258.2); short protein forms R1555Q, R1624Q, R1661Q, R1805Q, R1843Q.
Identifiers: ClinVar variation 1045674 (VCV001045674.6), dbSNP rs376317959, ClinGen allele CA5518079.